The following is an entry in ClinVar:

NM_014712.3(SETD1A):c.3576C>T (p.Pro1192=)

Gene: SETD1A (SET domain containing 1A, histone lysine methyltransferase; plus strand). Cytogenetic location: 16p11.2.
Variant type: single nucleotide variant.
Coding change: c.3576C>T on transcript NM_014712.3 (MANE Select); coding-DNA position 3576, C replaced by T.
Protein change: p.Pro1192=; no amino-acid change (proline 1192 retained).
Molecular consequence: synonymous variant.
Genome position (GRCh38, 1-based): chr16:30,979,362, C>T. VCF-style: chr16-30979362-C-T. GRCh37 (hg19) VCF-style: chr16-30990683-C-T.
Identifiers: ClinVar variation 4821787 (VCV004821787.4).
Genomic context (GRCh38, chr16:30,979,362, plus strand): 5'-CATCGAGGTGGTGCCAGCCCCGGAGCCCCCTCCAGCCACACCGCCGCAGGCCAAGTTTCC[C>T]GGCCCAGCCTCCCGCAAGGCTCCCCGGGGCGTGGAGCGGACCATCCGCAACCTGCCCCTG-3'
Protein context (NP_055527.1, residues 1182-1202): PPATPPQAKF[Pro1192=]GPASRKAPRG

ClinVar aggregate classification (germline): Likely benign (1 of 4 stars; one submission).

gnomAD v4.1: 23 of 1,612,820 alleles (0.0014%); highest among the groups gnomAD compares: Middle Eastern, 0.033%; no homozygotes.

Submission:

CeGaT Center for Human Genetics Tuebingen
Classification: Likely benign. Last evaluated: 2026-01-01. Review status: criteria provided, single submitter. Criteria: CeGaT Center For Human Genetics Tuebingen Variant Classification Criteria Version 2. Collection method: clinical testing. Allele origin: germline. Affected: yes. Observed: 1 variant allele.
Comment: SETD1A: BP4, BP7